The following is an entry in ClinVar:

NM_001267550.2(TTN):c.95486C>G (p.Thr31829Arg)

Genes: TTN (titin; minus strand), TTN-AS1 (TTN antisense RNA 1; plus strand). Cytogenetic location: 2q31.2.
Variant type: single nucleotide variant.
Coding change: c.95486C>G on transcript NM_001267550.2 (MANE Select); coding-DNA position 95486, C replaced by G.
Protein change: p.Thr31829Arg; replaces threonine 31829 with arginine.
Molecular consequence: missense variant.
Genome position (GRCh38, 1-based): chr2:178,545,624, G>C on the plus strand (C>G on the coding strand, the complement: TTN is on the minus strand). VCF-style: chr2-178545624-G-C. GRCh37 (hg19) VCF-style: chr2-179410351-G-C.
Other names: c.90563C>G, p.Thr30188Arg (NM_001256850.1); c.68291C>G, p.Thr22764Arg (NM_003319.4); c.87782C>G, p.Thr29261Arg (NM_133378.4); c.68666C>G, p.Thr22889Arg (NM_133432.3); c.68867C>G, p.Thr22956Arg (NM_133437.4); short protein forms T22764R, T22889R, T22956R, T29261R, T30188R, T31829R.
Identifiers: ClinVar variation 1339713 (VCV001339713.4), dbSNP rs762048345, ClinGen allele CA1986945.

ClinVar aggregate classification (germline): Uncertain significance. Review status: criteria provided, multiple submitters, no conflicts (2 of 4 stars). 2 submissions from 2 submitters: Uncertain significance (2). Last evaluated 2024-01-02.

Allele frequency attached by ClinVar (database versions not stated): gnomAD 0.00001; gnomAD exomes 0.00001; ExAC 0.00002.
gnomAD v4.1: 5 of 1,613,590 alleles (0.00031%); highest among the groups gnomAD compares: Admixed American, 0.0083%; no homozygotes.

Submissions (2):

Revvity Omics, Revvity
Classification: Uncertain significance. Last evaluated: 2024-01-02. Review status: criteria provided, single submitter. Criteria: ACMG Guidelines, 2015. Collection method: clinical testing. Allele origin: germline.

Women's Health and Genetics/Laboratory Corporation of America, LabCorp
Classification: Uncertain significance. Last evaluated: 2023-09-12. Review status: criteria provided, single submitter. Criteria: LabCorp Variant Classification Summary - May 2015. Collection method: clinical testing. Allele origin: germline.
Comment: Variant summary: TTN c.87782C>G (p.Thr29261Arg) results in a non-conservative amino acid change located in the A-band region of the encoded protein sequence. Four of five in-silico tools predict a benign effect of the variant on protein function. The variant allele was found at a frequency of 8e-06 in 248930 control chromosomes. The available data on variant occurrences in the general population are insufficient to allow any conclusion about variant significance. To our knowledge, no occurrence of c.87782C>G in individuals affected with Dilated Cardiomyopathy and no experimental evidence demonstrating its impact on protein function have been reported. Co-occurrences with other pathogenic variant(s) have been reported (MYBPC3 c.3811C>T, p.R1271*), providing supporting evidence for a benign role. No submitters have cited clinical-significance assessments for this variant to ClinVar after 2014. Based on the evidence outlined above, the variant was classified as uncertain significance.